The following is an entry in ClinVar:

NM_000260.4(MYO7A):c.690G>A (p.Ala230=)

Gene: MYO7A (myosin VIIA; plus strand). Cytogenetic location: 11q13.5.
Variant type: single nucleotide variant.
Coding change: c.690G>A on transcript NM_000260.4 (MANE Select); coding-DNA position 690, G replaced by A.
Protein change: p.Ala230=; no amino-acid change (alanine 230 retained).
Molecular consequence: synonymous variant.
Genome position (GRCh38, 1-based): chr11:77,156,959, G>A. VCF-style: chr11-77156959-G-A. GRCh37 (hg19) VCF-style: chr11-76868005-G-A.
Other names: c.690G>A, p.Ala230= (NM_001127180.2); c.657G>A, p.Ala219= (NM_001369365.1); c.690G>A (NM_000260.3).
Identifiers: ClinVar variation 993841 (VCV000993841.19), dbSNP rs368358972, ClinGen allele CA6197220.

ClinVar aggregate classification (germline): Likely benign. Review status: criteria provided, multiple submitters, no conflicts (2 of 4 stars). 4 submissions from 4 submitters: Likely benign (4). Last evaluated 2026-06-27.

Conditions:
MYO7A-related disorder. Also called: MYO7A-related disorders.

Allele frequency attached by ClinVar (database versions not stated): gnomAD exomes 0.00001 and 0.00002; TOPMed 0.00001; gnomAD 0.00003; ExAC 0.00004; ESP Exome Variant Server 0.00008; 1000 Genomes Project 30x 0.00016; 1000 Genomes Project 0.00020.

Submissions (4):

PreventionGenetics, part of Exact Sciences
Classification: Likely benign for MYO7A-related condition. Last evaluated: 2026-06-27. Review status: criteria provided, single submitter. Criteria: ACMG Guidelines, 2015. Collection method: clinical testing. Allele origin: germline.
Comment: This variant is classified as likely benign based on ACMG/AMP sequence variant interpretation guidelines (Richards et al. 2015 PMID: 25741868, with internal and published modifications).

Labcorp Genetics (formerly Invitae), Labcorp
Classification: Likely benign. Last evaluated: 2024-02-27. Review status: criteria provided, single submitter. Criteria: Invitae Variant Classification Sherloc (09022015). Collection method: clinical testing. Allele origin: germline.

Blueprint Genetics
Classification: Likely benign. Last evaluated: 2023-12-29. Review status: criteria provided, single submitter. Criteria: ACMG Guidelines, 2015. Collection method: clinical testing. Allele origin: germline.

ARUP Laboratories, Molecular Genetics and Genomics, ARUP Laboratories
Classification: Likely benign. Last evaluated: 2019-12-15. Review status: criteria provided, single submitter. Criteria: ARUP Molecular Germline Variant Investigation Process. Collection method: clinical testing. Allele origin: germline.